The following is an entry in ClinVar:

ClinVar aggregate classification (germline): Likely pathogenic (1 of 4 stars; one submission).

Conditions:
Niemann-Pick disease, type C1. Also called: NEUROVISCERAL STORAGE DISEASE WITH VERTICAL SUPRANUCLEAR OPHTHALMOPLEGIA; NIEMANN-PICK DISEASE WITH CHOLESTEROL ESTERIFICATION BLOCK; NIEMANN-PICK DISEASE WITHOUT SPHINGOMYELINASE DEFICIENCY; NIEMANN-PICK DISEASE, CHRONIC NEURONOPATHIC FORM; NIEMANN-PICK DISEASE, VARIANT TYPE C1. Identifiers: Orphanet 646, MedGen C3179455, MONDO:0009757, OMIM 257220.

gnomAD v4.1: 3 of 1,614,130 alleles (0.00019%); highest among the groups gnomAD compares: South Asian, 0.0022%; no homozygotes.

Submission:

Neuberg Centre For Genomic Medicine, NCGM
Classification: Likely pathogenic for Niemann-Pick disease, type C1. Review status: criteria provided, single submitter. Criteria: ACMG Guidelines, 2015. Collection method: clinical testing. Allele origin: germline. Inheritance: Autosomal recessive inheritance. Affected: yes.
Comment: The observed stop gain variant c.1189C>T(p.Gln397Ter) has been reported previously in compound heterozygous state in an individual affected with Niemann-Pick Disease Type C (Kubaski et al. 2022). The c.1189C>T variant is absent in gnomAD Exomes database. This variant has not been submitted to the ClinVar database. This variant is predicted to cause loss of normal protein function through protein truncation. Loss of function variants in NPC1 gene have been previously reported to be disease causing. For these reasons, this variant has been classified as Likely Pathogenic. Additional studies will be required to prove the pathogenicity of this variant. For these reasons, this variant has been classified as Likely Pathogenic.

NM_000271.5(NPC1):c.1189C>T (p.Gln397Ter)

Gene: NPC1 (NPC intracellular cholesterol transporter 1; minus strand). Cytogenetic location: 18q11.2.
Variant type: single nucleotide variant.
Coding change: c.1189C>T on transcript NM_000271.5 (MANE Select); coding-DNA position 1189, C replaced by T.
Protein change: p.Gln397Ter; replaces glutamine 397 with a stop codon.
Molecular consequence: nonsense.
Genome position (GRCh38, 1-based): chr18:23,556,380, G>A on the plus strand (C>T on the coding strand, the complement: NPC1 is on the minus strand). VCF-style: chr18-23556380-G-A. GRCh37 (hg19) VCF-style: chr18-21136344-G-A.
Other names: short protein forms Q397*.
Identifiers: ClinVar variation 3250450 (VCV003250450.1), dbSNP rs1478525243.
Genomic context (GRCh38, chr18:23,556,380, plus strand): 5'-TGTCAGTGAGAGGGGCCCGGATGATGAGCTGCTCCGTCCGGAAGAAAGGCCCAAAGTGCT[G>A]GTCAAAGTACTCTTTTTCCAGGCGAGCCTGGCTGCTGGGGGCTGACCAGAGGTCAACTGG-3'